The following is an entry in ClinVar:

ClinVar aggregate classification (germline): Benign (1 of 4 stars; one submission).

Submission:

GeneDx
Classification: Benign. Last evaluated: 2018-06-19. Review status: criteria provided, single submitter. Criteria: GeneDx Variant Classification (06012015). Collection method: clinical testing. Allele origin: germline. Affected: yes.
Comment: This variant is considered likely benign or benign based on one or more of the following criteria: it is a conservative change, it occurs at a poorly conserved position in the protein, it is predicted to be benign by multiple in silico algorithms, and/or has population frequency not consistent with disease.

NM_020312.4(COQ9):c.868-154_868-149del

Gene: COQ9 (coenzyme Q9; plus strand). Cytogenetic location: 16q21.
Variant type: Microsatellite.
Coding change: c.868-154_868-149del on transcript NM_020312.4 (MANE Select); 154 bases into the intron before coding-DNA position 868 through 149 bases into the intron before coding-DNA position 868, 6 bases deleted (CATTTG; older notation c.868-154_868-149delCATTTG).
Molecular consequence: intron variant.
Genome position (GRCh38, 1-based): chr16:57,459,897-57,459,902, CATTTG deleted; deleting any 6 consecutive bases within chr16:57,459,891-57,459,902 gives the same sequence; the c. name uses the placement nearest the transcript's 3' end. VCF-style (leftmost placement, unchanged base first): chr16-57459890-TCATTTG-T. GRCh37 (hg19) VCF-style: chr16-57493802-TCATTTG-T.
Identifiers: ClinVar variation 683878 (VCV000683878.1), dbSNP rs36209698, ClinGen allele CA281553735.